The following is an entry in ClinVar:

NM_002437.5(MPV17):c.391del (p.Ile132fs)

Gene: MPV17 (mitochondrial inner membrane protein MPV17; minus strand). Cytogenetic location: 2p23.3.
Variant type: Deletion.
Coding change: c.391del on transcript NM_002437.5 (MANE Select); coding-DNA position 391, one base deleted (C; older notation c.391delC).
Protein change: p.Ile132fs; shifts the reading frame from isoleucine 132.
Molecular consequence: frameshift variant.
Genome position (GRCh38, 1-based): chr2:27,312,231, G deleted on the plus strand (C on the coding strand, the reverse complement: MPV17 is on the minus strand); the first of 3 consecutive G bases (chr2:27,312,231-27,312,233); deleting any one gives the same sequence. VCF-style (leftmost placement, unchanged base first): chr2-27312230-AG-A. GRCh37 (hg19) VCF-style: chr2-27535098-AG-A.
Other names: short protein forms I132fs.
Identifiers: ClinVar variation 1420339 (VCV001420339.7), dbSNP rs1469699202, ClinGen allele CA531428653.

ClinVar aggregate classification (germline): Pathogenic/Likely pathogenic. Review status: criteria provided, multiple submitters, no conflicts (2 of 4 stars). 2 submissions from 2 submitters: Pathogenic (1); Likely pathogenic (1). Last evaluated 2024-01-22.

Conditions:
Mitochondrial DNA depletion syndrome 6 (hepatocerebral type). Also called: NAVAJO NEUROPATHY; Navajo neurohepatopathy; Mitochondrial DNA depletion syndrome type 6. Identifiers: Orphanet 255229, MedGen C1850406, MONDO:0009747, OMIM 256810.
Charcot-Marie-Tooth disease, axonal, type 2EE. Also called: CHARCOT-MARIE-TOOTH NEUROPATHY, TYPE 2EE. Identifiers: MedGen C5193076, MONDO:0032728, OMIM 618400.

Submissions (2):

Fulgent Genetics
Classification: Likely pathogenic for Mitochondrial DNA depletion syndrome 6 (hepatocerebral type); Charcot-Marie-Tooth disease, axonal, type 2EE. Last evaluated: 2024-01-22. Review status: criteria provided, single submitter. Criteria: ACMG Guidelines, 2015. Collection method: clinical testing. Allele origin: germline.

Labcorp Genetics (formerly Invitae), Labcorp
Classification: Pathogenic. Last evaluated: 2023-05-30. Review status: criteria provided, single submitter. Criteria: Invitae Variant Classification Sherloc (09022015). Collection method: clinical testing. Allele origin: germline.
Comment: For these reasons, this variant has been classified as Pathogenic. This variant disrupts a region of the MPV17 protein in which other variant(s) (p.Leu143*) have been determined to be pathogenic (PMID: 22964873). This suggests that this is a clinically significant region of the protein, and that variants that disrupt it are likely to be disease-causing. ClinVar contains an entry for this variant (Variation ID: 1420339). This variant has not been reported in the literature in individuals affected with MPV17-related conditions. This variant is present in population databases (no rsID available, gnomAD 0.0009%). This sequence change creates a premature translational stop signal (p.Ile132Serfs*12) in the MPV17 gene. While this is not anticipated to result in nonsense mediated decay, it is expected to disrupt the last 45 amino acid(s) of the MPV17 protein.

Literature cited by the submitters: PubMed 22964873 (cited by Labcorp Genetics (formerly Invitae), Labcorp).